The following is an entry in ClinVar:

ClinVar aggregate classification (germline): Uncertain significance (1 of 4 stars; one submission).

Conditions:
Fanconi anemia (FA). Also called: Fanconi's anemia. Identifiers: Orphanet 84, MedGen C0015625, MeSH D005199, MONDO:0019391.

Allele frequency attached by ClinVar (database versions not stated): TOPMed below 0.00001; gnomAD 0.00001.
gnomAD v4.1: 6 of 1,551,018 alleles (0.00039%); highest among the groups gnomAD compares: Middle Eastern, 0.05%; no homozygotes.

Submission:

Labcorp Genetics (formerly Invitae), Labcorp
Classification: Uncertain significance for Fanconi anemia. Last evaluated: 2022-10-13. Review status: criteria provided, single submitter. Criteria: Invitae Variant Classification Sherloc (09022015). Collection method: clinical testing. Allele origin: germline.
Comment: Algorithms developed to predict the effect of missense changes on protein structure and function (SIFT, PolyPhen-2, Align-GVGD) all suggest that this variant is likely to be tolerated. In summary, the available evidence is currently insufficient to determine the role of this variant in disease. Therefore, it has been classified as a Variant of Uncertain Significance. ClinVar contains an entry for this variant (Variation ID: 962446). This missense change has been observed in individual(s) with breast cancer (PMID: 28202063). This variant is not present in population databases (gnomAD no frequency). This sequence change replaces threonine, which is neutral and polar, with asparagine, which is neutral and polar, at codon 640 of the SLX4 protein (p.Thr640Asn).

Literature cited by the submitters: PubMed 28202063.

NM_032444.4(SLX4):c.1919C>A (p.Thr640Asn)

Gene: SLX4 (SLX4 structure-specific endonuclease subunit; minus strand). Cytogenetic location: 16p13.3.
Variant type: single nucleotide variant.
Coding change: c.1919C>A on transcript NM_032444.4 (MANE Select); coding-DNA position 1919, C replaced by A.
Protein change: p.Thr640Asn; replaces threonine 640 with asparagine.
Molecular consequence: missense variant.
Genome position (GRCh38, 1-based): chr16:3,596,158, G>T on the plus strand (C>A on the coding strand, the complement: SLX4 is on the minus strand). VCF-style: chr16-3596158-G-T. GRCh37 (hg19) VCF-style: chr16-3646159-G-T.
Other names: short protein forms T640N.
Identifiers: ClinVar variation 962446 (VCV000962446.8), dbSNP rs1340467468, ClinGen allele CA394526891.
Genomic context (GRCh38, chr16:3,596,158, plus strand): 5'-GGAGGGGAGGCCCGGGAGGGCAGGGCTGGCCCTAGAGTCCCACCCAGCATCTCACCTGCA[G>T]TCCCTTCCGAGCCAGCCAGGCCCCCACTGCCGGGCCACGGGCTGGCGCTCAGTCCCTCCC-3'
Protein context (NP_115820.2, residues 630-650): GSGGLAGSEG[Thr640Asn]AGLDVVPGGL